The following is an entry in ClinVar:

ClinVar aggregate classification (germline): Conflicting classifications of pathogenicity. Review status: criteria provided, conflicting classifications (1 of 4 stars). 6 submissions from 6 submitters: Uncertain significance (3); Likely benign (3). Last evaluated 2025-12-25.

Conditions:
PDE6A-related disorder. Also called: PDE6A-related condition.
Usher syndrome. Also called: Usher Syndromes; Usher's syndrome. Identifiers: Orphanet 886, MedGen CN469326, MeSH D052245, MONDO:0019501. Disease mechanism: loss of function.
Retinitis pigmentosa (RP). Identifiers: Orphanet 791, MedGen C0035334, MeSH D012174, MONDO:0019200, OMIM 268000. Inheritance: Autosomal dominant, autosomal recessive and X linked inheritance.
Retinitis pigmentosa 43 (RP43). Identifiers: Orphanet 791, MedGen C3151139, MONDO:0013437, OMIM 613810.

Allele frequency attached by ClinVar (database versions not stated): ESP Exome Variant Server 0.00008; gnomAD 0.00011 and 0.00023; TOPMed 0.00015; gnomAD exomes 0.00043; ExAC 0.00046; 1000 Genomes Project 30x 0.00047; 1000 Genomes Project 0.00060.
gnomAD v4.1: 635 of 1,614,050 alleles (0.039%); highest among the groups gnomAD compares: South Asian, 0.33%; 4 homozygotes.

Submissions (6):

Labcorp Genetics (formerly Invitae), Labcorp
Classification: Likely benign. Last evaluated: 2025-12-25. Review status: criteria provided, single submitter. Criteria: Invitae Variant Classification Sherloc (09022015). Collection method: clinical testing. Allele origin: germline.

Blueprint Genetics
Classification: Likely benign. Last evaluated: 2024-11-23. Review status: criteria provided, single submitter. Criteria: ACMG Guidelines, 2015. Collection method: clinical testing. Allele origin: germline.

PreventionGenetics, part of Exact Sciences
Classification: Likely benign for PDE6A-related condition. Last evaluated: 2024-11-08. Review status: criteria provided, single submitter. Criteria: ACMG Guidelines, 2015. Collection method: clinical testing. Allele origin: germline.
Comment: This variant is classified as likely benign based on ACMG/AMP sequence variant interpretation guidelines (Richards et al. 2015 PMID: 25741868, with internal and published modifications).

Victorian Clinical Genetics Services, Murdoch Childrens Research Institute
Classification: Uncertain significance for Retinitis pigmentosa 43. Last evaluated: 2020-07-02. Review status: criteria provided, single submitter. Criteria: ACMG Guidelines, 2015. Collection method: clinical testing. Allele origin: germline. Inheritance: Autosomal recessive inheritance.
Comment: Based on the classification scheme VCGS_Germline_v1.3.3, this variant is classified as VUS - 3B. Following criteria are met: 0102 - Loss of function is a known mechanism of disease in this gene and is associated with retinitis pigmentosa 43. (I) 0106 - This gene is associated with autosomal recessive disease. (I) 0200 - Variant is predicted to result in a missense amino acid change from an arginine to a glutamine. (I) 0251 - This variant is heterozygous. (I) 0304 - Variant is present in gnomAD v2 <0.01 for a recessive condition (114 heterozygotes, 0 homozygotes). (SP) 0309 - An alternative amino acid change at the same position has been observed in gnomAD v2 (80 heterozygotes, 0 homozygotes). (I) 0502 - Missense variant with conflicting in silico predictions and uninformative conservation. (I) 0600 - Variant is located in the annotated GAF domain (NCBI, PDB). (I) 0710 - Another missense variant comparable to the one identified in this case has inconclusive previous evidence for pathogenicity. An alternative change (p.Arg100Trp) has been reported in a heterozygous individual with retinitis pigmentosa, however this individual had additional variants in other genes noted to be causative for their condition (PMID: 24265693). (I) 0809 - Previous evidence of pathogenicity for this variant is inconclusive. This variant has been previously reported as a VUS (ClinVar). (I) 0905 - No published segregation evidence has been identified for this variant. (I) 1007 - No published functional evidence has been identified for this variant. (I) 1208 - Inheritance information for this variant is not currently available in this individual. (I) Legend: (SP) - Supporting pathogenic, (I) - Information, (SB) - Supporting benign

Illumina Laboratory Services, Illumina
Classification: Uncertain significance for Retinitis pigmentosa. Last evaluated: 2018-01-12. Review status: criteria provided, single submitter. Criteria: ICSL Variant Classification Criteria 13 December 2019. Collection method: clinical testing. Allele origin: germline.

SN ONGC Dept of Genetics and Molecular biology Vision Research Foundation
Classification: Uncertain significance for Usher syndrome. Review status: criteria provided, single submitter. Criteria: ACMG Guidelines, 2015. Collection method: research. Allele origin: unknown. Affected: yes. Observed: 1 compound heterozygote.

Literature cited by the submitters: PubMed 24265693 (cited by Victorian Clinical Genetics Services, Murdoch Childrens Research Institute).

NM_000440.3(PDE6A):c.299G>A (p.Arg100Gln)

Gene: PDE6A (phosphodiesterase 6A; minus strand). Cytogenetic location: 5q32.
Variant type: single nucleotide variant.
Coding change: c.299G>A on transcript NM_000440.3 (MANE Select); coding-DNA position 299, G replaced by A.
Protein change: p.Arg100Gln; replaces arginine 100 with glutamine.
Molecular consequence: missense variant.
Genome position (GRCh38, 1-based): chr5:149,944,375, C>T on the plus strand (G>A on the coding strand, the complement: PDE6A is on the minus strand). VCF-style: chr5-149944375-C-T. GRCh37 (hg19) VCF-style: chr5-149323938-C-T.
Other names: short protein forms R100Q.
Identifiers: ClinVar variation 352005 (VCV000352005.39), dbSNP rs199738915, ClinGen allele CA3505085.